The following is an entry in ClinVar:

NM_004995.4(MMP14):c.1627_1638dup (p.Val546_Leu547insValLeuProVal)

Gene: MMP14 (matrix metallopeptidase 14; plus strand). Cytogenetic location: 14q11.2.
Variant type: Duplication.
Coding change: c.1627_1638dup on transcript NM_004995.4 (MANE Select); coding-DNA positions 1627 to 1638, 12 bases duplicated (GTGCTGCCCGTG).
Protein change: p.Val546_Leu547insValLeuProVal.
Genome position (GRCh38, 1-based): chr14:22,845,917-22,845,928, GTGCTGCCCGTG duplicated; duplicating any 12 consecutive bases within chr14:22,845,912-22,845,928 gives the same sequence; the c. name uses the placement nearest the transcript's 3' end. VCF-style (leftmost placement, unchanged base first): chr14-22845911-G-GCCGTGGTGCTGC. GRCh37 (hg19) VCF-style: chr14-23315120-G-GCCGTGGTGCTGC.
Identifiers: ClinVar variation 3676827 (VCV003676827.2).

ClinVar aggregate classification (germline): Uncertain significance (1 of 4 stars; one submission).

Submission:

Labcorp Genetics (formerly Invitae), Labcorp
Classification: Uncertain significance. Last evaluated: 2024-09-11. Review status: criteria provided, single submitter. Criteria: Invitae Variant Classification Sherloc (09022015). Collection method: clinical testing. Allele origin: germline.
Comment: This variant, c.1627_1638dup, results in the insertion of 4 amino acid(s) of the MMP14 protein (p.Val543_Val546dup), but otherwise preserves the integrity of the reading frame. This variant is not present in population databases (gnomAD no frequency). This variant has not been reported in the literature in individuals affected with MMP14-related conditions. In summary, the available evidence is currently insufficient to determine the role of this variant in disease. Therefore, it has been classified as a Variant of Uncertain Significance.